The following is an entry in ClinVar:

ClinVar aggregate classification (germline): Uncertain significance (1 of 4 stars; one submission).

Conditions:
Spastic paraplegia. Identifiers: MedGen C0037772, HP:0001258.

Submission:

Labcorp Genetics (formerly Invitae), Labcorp
Classification: Uncertain significance for Spastic paraplegia. Last evaluated: 2017-03-21. Review status: criteria provided, single submitter. Criteria: Invitae Variant Classification Sherloc (09022015). Collection method: clinical testing. Allele origin: germline.
Comment: A gross duplication of the genomic region encompassing the full coding sequence of the HSPD1 gene has been identified. The boundaries of this event are unknown as the duplication extends beyond the assayed region for this gene and therefore may encompass additional genes. As the precise location of this duplication is unknown, it may be in tandem or it may be located elsewhere in the genome. This variant has not been reported in the literature in individuals with a HSPD1-related disease. Experimental studies and prediction algorithms are not available for this variant, and the functional significance of the duplicated amino acids is currently unknown. In summary, the exact genomic location of this variant is unknown and the impact of this duplication on HSPD1 protein function has not been established. Therefore, it has been classified as a Variant of Uncertain Significance.

Single allele

Gene: HSPD1 (heat shock protein family D (Hsp60) member 1; minus strand). Cytogenetic location: 2q33.1.
Variant type: Duplication.
Identifiers: ClinVar variation 458207 (VCV000458207.1).